The following is an entry in ClinVar:

NM_002858.4(ABCD3):c.80A>T (p.His27Leu)

Gene: ABCD3 (ATP binding cassette subfamily D member 3; plus strand). Cytogenetic location: 1p21.3.
Variant type: single nucleotide variant.
Coding change: c.80A>T on transcript NM_002858.4 (MANE Select); coding-DNA position 80, A replaced by T.
Protein change: p.His27Leu; replaces histidine 27 with leucine.
Molecular consequence: missense variant.
Genome position (GRCh38, 1-based): chr1:94,418,558, A>T. VCF-style: chr1-94418558-A-T. GRCh37 (hg19) VCF-style: chr1-94884114-A-T.
Other names: c.80A>T, p.His27Leu (NM_001122674.2); short protein forms H27L.
Identifiers: ClinVar variation 2963735 (VCV002963735.3), dbSNP rs554914466, ClinGen allele CA959989.

ClinVar aggregate classification (germline): Uncertain significance (1 of 4 stars; one submission).

Allele frequency attached by ClinVar (database versions not stated): gnomAD exomes 0.00001; ExAC 0.00002; 1000 Genomes Project 30x 0.00031.
gnomAD v4.1: 64 of 1,603,076 alleles (0.004%); highest among the groups gnomAD compares: African/African-American, 0.04%; 3 homozygotes.

Submission:

Labcorp Genetics (formerly Invitae), Labcorp
Classification: Uncertain significance. Last evaluated: 2023-10-26. Review status: criteria provided, single submitter. Criteria: Invitae Variant Classification Sherloc (09022015). Collection method: clinical testing. Allele origin: germline.
Comment: This sequence change replaces histidine, which is basic and polar, with leucine, which is neutral and non-polar, at codon 27 of the ABCD3 protein (p.His27Leu). This variant is present in population databases (rs554914466, gnomAD 0.01%). This variant has not been reported in the literature in individuals affected with ABCD3-related conditions. Algorithms developed to predict the effect of missense changes on protein structure and function output the following: SIFT: "Not Available"; PolyPhen-2: "Benign"; Align-GVGD: "Not Available". The leucine amino acid residue is found in multiple mammalian species, which suggests that this missense change does not adversely affect protein function. In summary, the available evidence is currently insufficient to determine the role of this variant in disease. Therefore, it has been classified as a Variant of Uncertain Significance.